The following is an entry in ClinVar:

NM_145290.4(ADGRA3):c.327A>T (p.Arg109Ser)

Gene: ADGRA3 (adhesion G protein-coupled receptor A3; minus strand). Cytogenetic location: 4p15.2.
Variant type: single nucleotide variant.
Coding change: c.327A>T on transcript NM_145290.4 (MANE Select); coding-DNA position 327, A replaced by T.
Protein change: p.Arg109Ser; replaces arginine 109 with serine.
Molecular consequence: missense variant.
Genome position (GRCh38, 1-based): chr4:22,473,774, T>A on the plus strand (A>T on the coding strand, the complement: ADGRA3 is on the minus strand). VCF-style: chr4-22473774-T-A. GRCh37 (hg19) VCF-style: chr4-22475397-T-A.
Other names: short protein forms R109S.
Identifiers: ClinVar variation 1001833 (VCV001001833.8), dbSNP rs1717939254, ClinGen allele CA356481144.

ClinVar aggregate classification (germline): Uncertain significance (1 of 4 stars; one submission).

Allele frequency attached by ClinVar (database versions not stated): gnomAD exomes below 0.00001.
gnomAD v4.1: 1 of 1,569,944 alleles (0.000064%); highest among the groups gnomAD compares: Non-Finnish European, 0.000087%; no homozygotes.

Submission:

Labcorp Genetics (formerly Invitae), Labcorp
Classification: Uncertain significance. Last evaluated: 2022-08-16. Review status: criteria provided, single submitter. Criteria: Invitae Variant Classification Sherloc (09022015). Collection method: clinical testing. Allele origin: germline.
Comment: In summary, the available evidence is currently insufficient to determine the role of this variant in disease. Therefore, it has been classified as a Variant of Uncertain Significance. Algorithms developed to predict the effect of sequence changes on RNA splicing suggest that this variant may create or strengthen a splice site. Algorithms developed to predict the effect of missense changes on protein structure and function (SIFT, PolyPhen-2, Align-GVGD) all suggest that this variant is likely to be tolerated. ClinVar contains an entry for this variant (Variation ID: 1001833). This variant has not been reported in the literature in individuals affected with ADGRA3-related conditions. This variant is not present in population databases (gnomAD no frequency). This sequence change replaces arginine, which is basic and polar, with serine, which is neutral and polar, at codon 109 of the ADGRA3 protein (p.Arg109Ser).